The following is an entry in ClinVar:

ClinVar aggregate classification (germline): Uncertain significance. Review status: criteria provided, multiple submitters, no conflicts (2 of 4 stars). 2 submissions from 2 submitters: Uncertain significance (2). Last evaluated 2026-05-20.

Conditions:
Inborn genetic diseases. Identifiers: MedGen C0950123, MeSH D030342.

Allele frequency attached by ClinVar (database versions not stated): TOPMed below 0.00001; ExAC 0.00001; gnomAD exomes below 0.00001.
gnomAD v4.1: 1 of 1,605,612 alleles (0.000062%); highest among the groups gnomAD compares: Non-Finnish European, 0.000085%; no homozygotes.

Submissions (2):

Ambry Genetics
Classification: Uncertain significance for Inborn genetic diseases. Last evaluated: 2026-05-20. Review status: criteria provided, single submitter. Criteria: Ambry Variant Classification Scheme 2023. Collection method: clinical testing. Allele origin: germline.
Comment: The c.2366A>G (p.N789S) alteration is located in exon 11 (coding exon 11) of the CHD8 gene. This alteration results from a A to G substitution at nucleotide position 2366, causing the asparagine (N) at amino acid position 789 to be replaced by a serine (S). Based on data from gnomAD, the G allele has an overall frequency of <0.001% (1/234116) total alleles studied. The highest observed frequency was 0.001% (1/105166) of European (non-Finnish) alleles. Based on insufficient or conflicting evidence, the clinical significance of this alteration remains unclear.

GeneDx
Classification: Uncertain significance. Last evaluated: 2023-12-22. Review status: criteria provided, single submitter. Criteria: GeneDx Variant Classification Process June 2021. Collection method: clinical testing. Allele origin: germline. Affected: yes.
Comment: Not observed at significant frequency in large population cohorts (gnomAD); In silico analysis suggests this variant may impact gene splicing. In the absence of RNA/functional studies, the actual effect of this sequence change is unknown.; In silico analysis supports that this missense variant does not alter protein structure/function; Has not been previously published as pathogenic or benign to our knowledge

NM_001170629.2(CHD8):c.2366A>G (p.Asn789Ser)

Gene: CHD8 (chromodomain helicase DNA binding protein 8; minus strand). Cytogenetic location: 14q11.2.
Variant type: single nucleotide variant.
Coding change: c.2366A>G on transcript NM_001170629.2 (MANE Select); coding-DNA position 2366, A replaced by G.
Protein change: p.Asn789Ser; replaces asparagine 789 with serine.
Molecular consequence: missense variant.
Genome position (GRCh38, 1-based): chr14:21,408,824, T>C on the plus strand (A>G on the coding strand, the complement: CHD8 is on the minus strand). VCF-style: chr14-21408824-T-C. GRCh37 (hg19) VCF-style: chr14-21876983-T-C.
Other names: c.1529A>G, p.Asn510Ser (NM_020920.4); short protein forms N510S, N789S.
Identifiers: ClinVar variation 1723856 (VCV001723856.4), dbSNP rs761970737, ClinGen allele CA7091571.